The following is an entry in ClinVar:

NM_002834.5(PTPN11):c.1763A>G (p.Gln588Arg)

Gene: PTPN11 (protein tyrosine phosphatase non-receptor type 11; plus strand). Cytogenetic location: 12q24.13.
Variant type: single nucleotide variant.
Coding change: c.1763A>G on transcript NM_002834.5 (MANE Select); coding-DNA position 1763, A replaced by G.
Protein change: p.Gln588Arg; replaces glutamine 588 with arginine.
Molecular consequence: missense variant.
Genome position (GRCh38, 1-based): chr12:112,504,745, A>G. VCF-style: chr12-112504745-A-G. GRCh37 (hg19) VCF-style: chr12-112942549-A-G.
Other names: c.1775A>G, p.Gln592Arg (NM_001330437.2); c.1760A>G, p.Gln587Arg (NM_001374625.1); c.1763A>G (NM_002834.4); short protein forms Q587R, Q588R, Q592R.
Identifiers: ClinVar variation 1779618 (VCV001779618.9), dbSNP rs1283260430, ClinGen allele CA386784728.

ClinVar aggregate classification (germline): Uncertain significance. Review status: criteria provided, multiple submitters, no conflicts (2 of 4 stars). 3 submissions from 3 submitters: Uncertain significance (3). Last evaluated 2026-06-09.

Conditions:
Cardiovascular phenotype. Identifiers: MedGen CN230736.
RASopathy. Also called: Noonan spectrum disorder; rasopathies. Identifiers: Orphanet 536391, MedGen C5555857, MONDO:0021060.
PTPN11-related disorder. Also called: PTPN11-Related Disorders.

Allele frequency attached by ClinVar (database versions not stated): gnomAD exomes 0.00001; TOPMed 0.00001; gnomAD 0.00002.
gnomAD v4.1: 15 of 1,589,574 alleles (0.00094%); highest among the groups gnomAD compares: Non-Finnish European, 0.0012%; no homozygotes.

Submissions (3):

PreventionGenetics, part of Exact Sciences
Classification: Uncertain significance for PTPN11-related condition. Last evaluated: 2026-06-09. Review status: criteria provided, single submitter. Criteria: ACMG Guidelines, 2015. Collection method: clinical testing. Allele origin: germline.
Comment: The PTPN11 c.1763A>G variant is predicted to result in the amino acid substitution p.Gln588Arg. To our knowledge, this variant has not been reported in the literature. This variant is reported in 0.00088% of alleles in individuals of European (Non-Finnish) descent in gnomAD. At this time, the clinical significance of this variant is uncertain due to the absence of conclusive functional and genetic evidence.

Ambry Genetics
Classification: Uncertain significance for Cardiovascular phenotype. Last evaluated: 2025-11-01. Review status: criteria provided, single submitter. Criteria: Ambry Variant Classification Scheme 2023. Collection method: clinical testing. Allele origin: germline.
Comment: The p.Q588R variant (also known as c.1763A>G), located in coding exon 15 of the PTPN11 gene, results from an A to G substitution at nucleotide position 1763. The glutamine at codon 588 is replaced by arginine, an amino acid with highly similar properties. This amino acid position is conserved. In addition, this alteration is predicted to be tolerated by in silico analysis. Since supporting evidence is limited at this time, the clinical significance of this alteration remains unclear.

Labcorp Genetics (formerly Invitae), Labcorp
Classification: Uncertain significance for RASopathy. Last evaluated: 2025-07-29. Review status: criteria provided, single submitter. Criteria: Invitae Variant Classification Sherloc (09022015). Collection method: clinical testing. Allele origin: germline.
Comment: This sequence change replaces glutamine, which is neutral and polar, with arginine, which is basic and polar, at codon 588 of the PTPN11 protein (p.Gln588Arg). This variant is present in population databases (no rsID available, gnomAD 0.0009%). This variant has not been reported in the literature in individuals affected with PTPN11-related conditions. ClinVar contains an entry for this variant (Variation ID: 1779618). Invitae Evidence Modeling of protein sequence and biophysical properties (such as structural, functional, and spatial information, amino acid conservation, physicochemical variation, residue mobility, and thermodynamic stability) indicates that this missense variant is expected to disrupt PTPN11 protein function with a positive predictive value of 95%. In summary, the available evidence is currently insufficient to determine the role of this variant in disease. Therefore, it has been classified as a Variant of Uncertain Significance.